The following is an entry in ClinVar:

ClinVar aggregate classification (germline): Uncertain significance (1 of 4 stars; one submission).

Conditions:
Fanconi anemia (FA). Also called: Fanconi's anemia. Identifiers: Orphanet 84, MedGen C0015625, MeSH D005199, MONDO:0019391.

Allele frequency attached by ClinVar (database versions not stated): gnomAD exomes below 0.00001; gnomAD 0.00001; TOPMed 0.00001.
gnomAD v4.1: 4 of 1,613,838 alleles (0.00025%); highest among the groups gnomAD compares: African/African-American, 0.0013%; no homozygotes.

Submission:

Labcorp Genetics (formerly Invitae), Labcorp
Classification: Uncertain significance for Fanconi anemia. Last evaluated: 2025-05-05. Review status: criteria provided, single submitter. Criteria: Invitae Variant Classification Sherloc (09022015). Collection method: clinical testing. Allele origin: germline.
Comment: This sequence change replaces cysteine, which is neutral and slightly polar, with serine, which is neutral and polar, at codon 1428 of the FANCA protein (p.Cys1428Ser). This variant is not present in population databases (gnomAD no frequency). This variant has not been reported in the literature in individuals affected with FANCA-related conditions. ClinVar contains an entry for this variant (Variation ID: 1983337). Invitae Evidence Modeling of protein sequence and biophysical properties (such as structural, functional, and spatial information, amino acid conservation, physicochemical variation, residue mobility, and thermodynamic stability) indicates that this missense variant is not expected to disrupt FANCA protein function with a negative predictive value of 95%. In summary, the available evidence is currently insufficient to determine the role of this variant in disease. Therefore, it has been classified as a Variant of Uncertain Significance.

NM_000135.4(FANCA):c.4283G>C (p.Cys1428Ser)

Genes: FANCA (FA complementation group A; minus strand), ZNF276 (zinc finger protein 276; plus strand). Cytogenetic location: 16q24.3.
Variant type: single nucleotide variant.
Coding change: c.4283G>C on transcript NM_000135.4 (MANE Select); coding-DNA position 4283, G replaced by C.
Protein change: p.Cys1428Ser; replaces cysteine 1428 with serine.
Molecular consequence: missense variant. On other transcripts: 3 prime UTR variant (3), non-coding transcript variant (4).
Genome position (GRCh38, 1-based): chr16:89,738,686, C>G on the plus strand (G>C on the coding strand, the complement: FANCA is on the minus strand). VCF-style: chr16-89738686-C-G. GRCh37 (hg19) VCF-style: chr16-89805094-C-G.
Other names: c.*12G>C (NM_001286167.3); c.*440C>G (NM_001113525.2, NM_152287.4); short protein forms C1428S.
Identifiers: ClinVar variation 1983337 (VCV001983337.4), dbSNP rs2062031274, ClinGen allele CA397483120.